The following is an entry in ClinVar:

ClinVar aggregate classification (germline): Uncertain significance. Review status: criteria provided, multiple submitters, no conflicts (2 of 4 stars). 2 submissions from 2 submitters: Uncertain significance (2). Last evaluated 2023-07-30.

Conditions:
PDE4D-related disorder. Also called: PDE4D-related condition.

Allele frequency attached by ClinVar (database versions not stated): gnomAD exomes below 0.00001.
gnomAD v4.1: 1 of 1,558,720 alleles (0.000064%); no homozygotes.

Submissions (2):

Labcorp Genetics (formerly Invitae), Labcorp
Classification: Uncertain significance. Last evaluated: 2023-07-30. Review status: criteria provided, single submitter. Criteria: Invitae Variant Classification Sherloc (09022015). Collection method: clinical testing. Allele origin: germline.
Comment: In summary, the available evidence is currently insufficient to determine the role of this variant in disease. Therefore, it has been classified as a Variant of Uncertain Significance. An algorithm developed to predict the effect of missense changes on protein structure and function (PolyPhen-2) suggests that this variant is likely to be tolerated. This variant has not been reported in the literature in individuals affected with PDE4D-related conditions. This variant is not present in population databases (gnomAD no frequency). This sequence change replaces arginine, which is basic and polar, with glycine, which is neutral and non-polar, at codon 151 of the PDE4D protein (p.Arg151Gly).

PreventionGenetics, part of Exact Sciences
Classification: Uncertain significance for PDE4D-related condition. Last evaluated: 2023-07-16. Review status: criteria provided, single submitter. Criteria: ACMG Guidelines, 2015. Collection method: clinical testing. Allele origin: germline.
Comment: The PDE4D c.451A>G variant is predicted to result in the amino acid substitution p.Arg151Gly. To our knowledge, this variant has not been reported in the literature or in a large population database, indicating this variant is rare. At this time, the clinical significance of this variant is uncertain due to the absence of conclusive functional and genetic evidence.

NM_001104631.2(PDE4D):c.451A>G (p.Arg151Gly)

Gene: PDE4D (phosphodiesterase 4D; minus strand). Cytogenetic location: 5q12.1.
Variant type: single nucleotide variant.
Coding change: c.451A>G on transcript NM_001104631.2 (MANE Select); coding-DNA position 451, A replaced by G.
Protein change: p.Arg151Gly; replaces arginine 151 with glycine.
Molecular consequence: missense variant. On other transcripts: intron variant (5).
Genome position (GRCh38, 1-based): chr5:59,893,172, T>C on the plus strand (A>G on the coding strand, the complement: PDE4D is on the minus strand). VCF-style: chr5-59893172-T-C. GRCh37 (hg19) VCF-style: chr5-59188999-T-C.
Other names: c.272+95316A>G (NM_001364599.1, NM_001165899.2, NM_001364600.2); c.-240+95316A>G (NM_001349243.2); c.242+95316A>G (NM_001349241.2); short protein forms R151G.
Identifiers: ClinVar variation 2634567 (VCV002634567.4), dbSNP rs2534913973, ClinGen allele CA359932350.